The following is an entry in ClinVar:

ClinVar aggregate classification (germline): Conflicting classifications of pathogenicity. Review status: criteria provided, conflicting classifications (1 of 4 stars). 2 submissions from 2 submitters: Uncertain significance (1); Likely benign (1). Last evaluated 2023-12-18.

Allele frequency attached by ClinVar (database versions not stated): ExAC 0.00001.
gnomAD v4.1: 2 of 1,606,120 alleles (0.00012%); highest among the groups gnomAD compares: Non-Finnish European, 0.00017%; no homozygotes.

Submissions (2):

GeneDx
Classification: Uncertain significance. Last evaluated: 2023-12-18. Review status: criteria provided, single submitter. Criteria: GeneDx Variant Classification Process June 2021. Collection method: clinical testing. Allele origin: germline. Affected: yes.
Comment: Not observed at significant frequency in large population cohorts (gnomAD); In silico analysis supports that this variant does not alter splicing; Has not been previously published as pathogenic or benign to our knowledge

Labcorp Genetics (formerly Invitae), Labcorp
Classification: Likely benign. Last evaluated: 2023-06-03. Review status: criteria provided, single submitter. Criteria: Invitae Variant Classification Sherloc (09022015). Collection method: clinical testing. Allele origin: germline.

NM_014915.3(ANKRD26):c.1565-6T>C

Gene: ANKRD26 (ankyrin repeat domain 26; minus strand). Cytogenetic location: 10p12.1.
Variant type: single nucleotide variant.
Coding change: c.1565-6T>C on transcript NM_014915.3 (MANE Select); 6 bases into the intron before coding-DNA position 1565, T replaced by C.
Molecular consequence: intron variant.
Genome position (GRCh38, 1-based): chr10:27,053,396, A>G on the plus strand (T>C on the coding strand, the complement: ANKRD26 is on the minus strand). VCF-style: chr10-27053396-A-G. GRCh37 (hg19) VCF-style: chr10-27342325-A-G.
Other names: c.1565-6T>C (NM_001256053.2).
Identifiers: ClinVar variation 2903107 (VCV002903107.4), dbSNP rs769269885, ClinGen allele CA5448484.
Genomic context (GRCh38, chr10:27,053,396, plus strand): 5'-TCACTCCCTTCCCTTTCTTGCTCTTCTTCTGATGCTACTTCTAAGTCATGTTCAGCTGAA[A>G]AAATCCAAATATTTAGTTTAATGAACTACTTAGAACAGTTAGGTAAAAGGTATAGTCTTT-3'